The following is an entry in ClinVar:

NM_000587.4(C7):c.2441C>T (p.Thr814Met)

Gene: C7 (complement C7; plus strand). Cytogenetic location: 5p13.1.
Variant type: single nucleotide variant.
Coding change: c.2441C>T on transcript NM_000587.4 (MANE Select); coding-DNA position 2441, C replaced by T.
Protein change: p.Thr814Met; replaces threonine 814 with methionine.
Molecular consequence: missense variant.
Genome position (GRCh38, 1-based): chr5:40,981,482, C>T. VCF-style: chr5-40981482-C-T. GRCh37 (hg19) VCF-style: chr5-40981584-C-T.
Other names: c.2441C>T (NM_000587.2); short protein forms T814M.
Identifiers: ClinVar variation 1440098 (VCV001440098.6), dbSNP rs769499557, ClinGen allele CA3250311.

ClinVar aggregate classification (germline): Uncertain significance. Review status: criteria provided, multiple submitters, no conflicts (2 of 4 stars). 3 submissions from 3 submitters: Uncertain significance (3). Last evaluated 2024-01-26.

Conditions:
Inborn genetic diseases. Identifiers: MedGen C0950123, MeSH D030342.

Allele frequency attached by ClinVar (database versions not stated): gnomAD 0.00002 and 0.00004; TOPMed 0.00003; gnomAD exomes 0.00008 and 0.00010; ExAC 0.00010.

Submissions (3):

Labcorp Genetics (formerly Invitae), Labcorp
Classification: Uncertain significance. Last evaluated: 2024-01-26. Review status: criteria provided, single submitter. Criteria: Invitae Variant Classification Sherloc (09022015). Collection method: clinical testing. Allele origin: germline.
Comment: This sequence change replaces threonine, which is neutral and polar, with methionine, which is neutral and non-polar, at codon 814 of the C7 protein (p.Thr814Met). The frequency data for this variant in the population databases is considered unreliable, as metrics indicate poor data quality at this position in the gnomAD database. This variant has not been reported in the literature in individuals affected with C7-related conditions. ClinVar contains an entry for this variant (Variation ID: 1440098). Advanced modeling of protein sequence and biophysical properties (such as structural, functional, and spatial information, amino acid conservation, physicochemical variation, residue mobility, and thermodynamic stability) has been performed at Invitae for this missense variant, however the output from this modeling did not meet the statistical confidence thresholds required to predict the impact of this variant on C7 protein function. In summary, the available evidence is currently insufficient to determine the role of this variant in disease. Therefore, it has been classified as a Variant of Uncertain Significance.

Ambry Genetics
Classification: Uncertain significance for Inborn genetic diseases. Last evaluated: 2022-11-10. Review status: criteria provided, single submitter. Criteria: Ambry Variant Classification Scheme 2023. Collection method: clinical testing. Allele origin: germline.

Breakthrough Genomics
Classification: Uncertain significance. Review status: criteria provided, single submitter. Criteria: ACMG Guidelines, 2015. Collection method: not provided. Allele origin: germline. Inheritance: Unknown mechanism. Affected: yes.